The following is an entry in ClinVar:

NM_001009944.3(PKD1):c.1477C>T (p.Gln493Ter)

Gene: PKD1 (polycystin 1, transient receptor potential channel interacting; minus strand). Cytogenetic location: 16p13.3.
Variant type: single nucleotide variant.
Coding change: c.1477C>T on transcript NM_001009944.3 (MANE Select); coding-DNA position 1477, C replaced by T.
Protein change: p.Gln493Ter; replaces glutamine 493 with a stop codon.
Molecular consequence: nonsense.
Genome position (GRCh38, 1-based): chr16:2,116,962, G>A on the plus strand (C>T on the coding strand, the complement: PKD1 is on the minus strand). VCF-style: chr16-2116962-G-A. GRCh37 (hg19) VCF-style: chr16-2166963-G-A.
Other names: c.1477C>T, p.Gln493Ter (NM_000296.4); short protein forms Q493*.
Identifiers: ClinVar variation 4851578 (VCV004851578.1).

ClinVar aggregate classification (germline): Likely pathogenic (1 of 4 stars; one submission).

Conditions:
Polycystic kidney disease, adult type (PKD1). Also called: POLYCYSTIC KIDNEY DISEASE 1 WITH OR WITHOUT POLYCYSTIC LIVER DISEASE; Polycystic Kidney Disease 1, Autosomal Dominant; Polycystic kidney disease 1; Polycystic kidney disease 1, severe; POLYCYSTIC KIDNEY DISEASE, ADULT, TYPE I; Polycystic Kidney, Autosomal Dominant. Identifiers: MedGen C3149841, MONDO:0008263, OMIM 173900.

Submission:

CGC Genetics, Unilabs
Classification: Likely pathogenic for Polycystic kidney disease, adult type. Last evaluated: 2024-06-18. Review status: criteria provided, single submitter. Criteria: ACMG Guidelines, 2015. Collection method: clinical testing. Allele origin: germline. Inheritance: Autosomal dominant inheritance. Affected: yes. Observed: 1 variant allele.
Comment: The NM_001009944.3:c.1477C>T p.(Gln493*) variant, detected in heterozygosity in the PKD1 gene (chr.16), has been reported in the literature in a patient with polycystic kidney disease (PMID: 32457805). It is not present in the gnomAD population database nor in the ClinVar database. Additionally, this is a nonsense variant occurring in exon 7 (of 46), introducing a premature stop codon, and is expected to result in a truncated protein and/or loss of expression due to mRNA degradation. Based on currently available information, this variant should be classified as likely pathogenic.

Literature cited by the submitters: PubMed 32457805.